The following is an entry in ClinVar:

ClinVar aggregate classification (germline): Likely benign. Review status: criteria provided, multiple submitters, no conflicts (2 of 4 stars). 3 submissions from 3 submitters: Likely benign (3). Last evaluated 2026-01-19.

Conditions:
Hereditary spastic paraplegia 43. Also called: Spastic paraplegia 43, autosomal recessive. Identifiers: Orphanet 320370, MedGen C2680446, MONDO:0014024, OMIM 615043.

Allele frequency attached by ClinVar (database versions not stated): ESP Exome Variant Server 0.00015; TOPMed 0.00020; gnomAD 0.00023; 1000 Genomes Project 0.00040; 1000 Genomes Project 30x 0.00047.
gnomAD v4.1: 77 of 1,613,566 alleles (0.0048%); highest among the groups gnomAD compares: African/African-American, 0.068%; 1 homozygote.

Submissions (3):

Labcorp Genetics (formerly Invitae), Labcorp
Classification: Likely benign for Hereditary spastic paraplegia 43. Last evaluated: 2026-01-19. Review status: criteria provided, single submitter. Criteria: Invitae Variant Classification Sherloc (09022015). Collection method: clinical testing. Allele origin: germline.

Blueprint Genetics
Classification: Likely benign. Last evaluated: 2024-01-18. Review status: criteria provided, single submitter. Criteria: ACMG Guidelines, 2015. Collection method: clinical testing. Allele origin: germline.

GeneDx
Classification: Likely benign. Last evaluated: 2017-11-06. Review status: criteria provided, single submitter. Criteria: GeneDx Variant Classification (06012015). Collection method: clinical testing. Allele origin: germline. Affected: yes.
Comment: This variant is considered likely benign or benign based on one or more of the following criteria: it is a conservative change, it occurs at a poorly conserved position in the protein, it is predicted to be benign by multiple in silico algorithms, and/or has population frequency not consistent with disease.

NM_031448.6(C19orf12):c.161-18C>T

Gene: C19orf12 (chromosome 19 open reading frame 12; minus strand). Cytogenetic location: 19q12.
Variant type: single nucleotide variant.
Coding change: c.161-18C>T on transcript NM_031448.6 (MANE Select); 18 bases into the intron before coding-DNA position 161, C replaced by T.
Molecular consequence: intron variant.
Genome position (GRCh38, 1-based): chr19:29,702,995, G>A on the plus strand (C>T on the coding strand, the complement: C19orf12 is on the minus strand). VCF-style: chr19-29702995-G-A. GRCh37 (hg19) VCF-style: chr19-30193902-G-A.
Other names: c.-32-18C>T (NM_001282929.1, NM_001282930.3, NM_001282931.3); c.161-18C>T (NM_001256047.2, NM_001256046.3, NM_001031726.4).
Identifiers: ClinVar variation 512985 (VCV000512985.10), dbSNP rs113947435, ClinGen allele CA9351936.